The following is an entry in ClinVar:

ClinVar aggregate classification (germline): Pathogenic (1 of 4 stars; one submission).

Conditions:
Developmental and epileptic encephalopathy 94 (DEE94). Also called: CHD2-Related Neurodevelopmental Disorders; Epileptic encephalopathy, childhood-onset. Identifiers: Orphanet 1942, Orphanet 2382, MedGen C3809278, MONDO:0014150, OMIM 615369.

Submission:

Labcorp Genetics (formerly Invitae), Labcorp
Classification: Pathogenic for Developmental and epileptic encephalopathy 94. Last evaluated: 2022-09-18. Review status: criteria provided, single submitter. Criteria: Invitae Variant Classification Sherloc (09022015). Collection method: clinical testing. Allele origin: germline.
Comment: For these reasons, this variant has been classified as Pathogenic. This variant has not been reported in the literature in individuals affected with CHD2-related conditions. This variant is not present in population databases (gnomAD no frequency). This sequence change creates a premature translational stop signal (p.Asn763Thrfs*4) in the CHD2 gene. It is expected to result in an absent or disrupted protein product. Loss-of-function variants in CHD2 are known to be pathogenic (PMID: 23708187, 24207121).

Literature cited by the submitters: PubMed 23708187; PubMed 24207121.

NM_001271.4(CHD2):c.2288_2291del (p.Asn763fs)

Gene: CHD2 (chromodomain helicase DNA binding protein 2; plus strand). Cytogenetic location: 15q26.1.
Variant type: Deletion.
Coding change: c.2288_2291del on transcript NM_001271.4 (MANE Select); coding-DNA positions 2288 to 2291, 4 bases deleted (ACCA; older notation c.2288_2291delACCA).
Protein change: p.Asn763fs; shifts the reading frame from asparagine 763.
Molecular consequence: frameshift variant.
Genome position (GRCh38, 1-based): chr15:92,971,863-92,971,866, ACCA deleted; deleting any 4 consecutive bases within chr15:92,971,861-92,971,866 gives the same sequence; the c. name uses the placement nearest the transcript's 3' end. VCF-style (leftmost placement, unchanged base first): chr15-92971860-GCAAC-G. GRCh37 (hg19) VCF-style: chr15-93515090-GCAAC-G.
Other names: short protein forms N763fs.
Identifiers: ClinVar variation 2031088 (VCV002031088.4), dbSNP rs2505526538, ClinGen allele CA2580090352.